The following is an entry in ClinVar:

NM_001111125.3(IQSEC2):c.3115T>A (p.Tyr1039Asn)

Gene: IQSEC2 (IQ motif and Sec7 domain ArfGEF 2; minus strand). Cytogenetic location: Xp11.22.
Variant type: single nucleotide variant.
Coding change: c.3115T>A on transcript NM_001111125.3 (MANE Select); coding-DNA position 3115, T replaced by A.
Protein change: p.Tyr1039Asn; replaces tyrosine 1039 with asparagine.
Molecular consequence: missense variant.
Genome position (GRCh38, 1-based): chrX:53,239,195, A>T on the plus strand (T>A on the coding strand, the complement: IQSEC2 is on the minus strand). VCF-style: chrX-53239195-A-T. GRCh37 (hg19) VCF-style: chrX-53268377-A-T.
Other names: c.3115T>A, p.Tyr1039Asn (NM_001410736.1); c.2500T>A, p.Tyr834Asn (NM_015075.2); short protein forms Y834N, Y1039N.
Identifiers: ClinVar variation 1997782 (VCV001997782.4), dbSNP rs781935803, ClinGen allele CA413147351.

ClinVar aggregate classification (germline): Uncertain significance (1 of 4 stars; one submission).

Conditions:
Intellectual developmental disorder, X-linked 1. Also called: Atkin Flaitz Patil Smith syndrome; MENTAL RETARDATION, X-LINKED 18; MENTAL RETARDATION, X-LINKED 78; Intellectual disability, X-linked 1. Identifiers: Orphanet 777, MedGen C2931498, MONDO:0010656, OMIM 309530.

Submission:

Labcorp Genetics (formerly Invitae), Labcorp
Classification: Uncertain significance for Intellectual developmental disorder, X-linked 1. Last evaluated: 2025-03-06. Review status: criteria provided, single submitter. Criteria: Invitae Variant Classification Sherloc (09022015). Collection method: clinical testing. Allele origin: germline.
Comment: This sequence change replaces tyrosine, which is neutral and polar, with asparagine, which is neutral and polar, at codon 1039 of the IQSEC2 protein (p.Tyr1039Asn). This variant is not present in population databases (gnomAD no frequency). This variant has not been reported in the literature in individuals affected with IQSEC2-related conditions. ClinVar contains an entry for this variant (Variation ID: 1997782). Invitae Evidence Modeling of protein sequence and biophysical properties (such as structural, functional, and spatial information, amino acid conservation, physicochemical variation, residue mobility, and thermodynamic stability) has been performed for this missense variant. However, the output from this modeling did not meet the statistical confidence thresholds required to predict the impact of this variant on IQSEC2 protein function. In summary, the available evidence is currently insufficient to determine the role of this variant in disease. Therefore, it has been classified as a Variant of Uncertain Significance.